The following is an entry in ClinVar:

ClinVar aggregate classification (germline): Pathogenic (1 of 4 stars; one submission).

Conditions:
Early-onset Parkinson disease 20. Also called: PARKINSON DISEASE 20, AUTOSOMAL RECESSIVE EARLY-ONSET. Identifiers: Orphanet 391411, MedGen C3809824, MONDO:0014233, OMIM 615530.
Developmental and epileptic encephalopathy, 53. Also called: Epileptic encephalopathy, early infantile, 53. Identifiers: MedGen C4479313, MONDO:0033362, OMIM 617389.

Submission:

Labcorp Genetics (formerly Invitae), Labcorp
Classification: Pathogenic for Developmental and epileptic encephalopathy, 53; Early-onset Parkinson disease 20. Last evaluated: 2023-07-07. Review status: criteria provided, single submitter. Criteria: Invitae Variant Classification Sherloc (09022015). Collection method: clinical testing. Allele origin: unknown.
Comment: For these reasons, this variant has been classified as Pathogenic. This variant has not been reported in the literature in individuals affected with SYNJ1-related conditions. This variant is a gross deletion of the genomic region encompassing exon(s) 1 of the SYNJ1 gene, which includes the initiator codon. This deletion extends beyond the assayed region for this gene and therefore may encompass additional genes. It is expected to result in an absent or disrupted protein product. Loss-of-function variants in SYNJ1 are known to be pathogenic (PMID: 25316601, 27435091).

Literature cited by the submitters: PubMed 25316601; PubMed 27435091.

NC_000021.9:g.(?_32727926)_(32728060_?)del

Gene: SYNJ1 (synaptojanin 1; minus strand). Cytogenetic location: 21q22.11.
Variant type: Deletion.
Identifiers: ClinVar variation 3248177 (VCV003248177.1).